The following is an entry in ClinVar:

ClinVar aggregate classification (germline): Conflicting classifications of pathogenicity. Review status: criteria provided, conflicting classifications (1 of 4 stars). 4 submissions from 4 submitters: Uncertain significance (1); Likely benign (3). Last evaluated 2026-05-22.

Conditions:
KBG syndrome (KBGS). Also called: ANKRD11-Related KBG Syndrome. Identifiers: Orphanet 2332, MedGen C0220687, MONDO:0007846, OMIM 148050.

gnomAD v4.1: 100 of 1,614,006 alleles (0.0062%); highest among the groups gnomAD compares: Middle Eastern, 0.016%; no homozygotes.

Submissions (4):

Women's Health and Genetics/Laboratory Corporation of America, LabCorp
Classification: Likely benign. Last evaluated: 2026-05-22. Review status: criteria provided, single submitter. Criteria: LabCorp Variant Classification Summary - May 2015. Collection method: clinical testing. Allele origin: germline.
Comment: Variant summary: ANKRD11 c.4912C>T (p.Pro1638Ser) results in a non-conservative amino acid change in the encoded protein sequence. Algorithms developed to predict the effect of missense changes on protein structure and function are either unavailable or do not agree on the potential impact of this missense change. The variant allele was found at a frequency of 4.2e-05 in 282554 control chromosomes. The observed variant frequency exceeds the estimated maximal expected allele frequency for disease-causing variants in ANKRD11. To our knowledge, no occurrence of c.4912C>T in individuals affected with ANKRD11-related conditions and no experimental evidence demonstrating its impact on protein function have been reported. ClinVar contains an entry for this variant (Variation ID: 2041535). Based on the evidence outlined above, the variant was classified as likely benign.

Labcorp Genetics (formerly Invitae), Labcorp
Classification: Uncertain significance for KBG syndrome. Last evaluated: 2026-01-28. Review status: criteria provided, single submitter. Criteria: Invitae Variant Classification Sherloc (09022015). Collection method: clinical testing. Allele origin: germline.
Comment: This sequence change replaces proline, which is neutral and non-polar, with serine, which is neutral and polar, at codon 1638 of the ANKRD11 protein (p.Pro1638Ser). This variant is present in population databases (rs113527563, gnomAD 0.009%). This variant has not been reported in the literature in individuals affected with ANKRD11-related conditions. ClinVar contains an entry for this variant (Variation ID: 2041535). Invitae Evidence Modeling of protein sequence and biophysical properties (such as structural, functional, and spatial information, amino acid conservation, physicochemical variation, residue mobility, and thermodynamic stability) indicates that this missense variant is not expected to disrupt ANKRD11 protein function with a negative predictive value of 95%. In summary, the available evidence is currently insufficient to determine the role of this variant in disease. Therefore, it has been classified as a Variant of Uncertain Significance.

Blueprint Genetics
Classification: Likely benign. Last evaluated: 2023-10-17. Review status: criteria provided, single submitter. Criteria: ACMG Guidelines, 2015. Collection method: clinical testing. Allele origin: germline.

CeGaT Center for Human Genetics Tuebingen
Classification: Likely benign. Last evaluated: 2023-01-01. Review status: criteria provided, single submitter. Criteria: CeGaT Center For Human Genetics Tuebingen Variant Classification Criteria Version 2. Collection method: clinical testing. Allele origin: germline. Affected: yes. Observed: 1 variant allele.
Comment: ANKRD11: BP4

NM_013275.6(ANKRD11):c.4912C>T (p.Pro1638Ser)

Gene: ANKRD11 (ankyrin repeat domain 11; minus strand). Cytogenetic location: 16q24.3.
Variant type: single nucleotide variant.
Coding change: c.4912C>T on transcript NM_013275.6 (MANE Select); coding-DNA position 4912, C replaced by T.
Protein change: p.Pro1638Ser; replaces proline 1638 with serine.
Molecular consequence: missense variant.
Genome position (GRCh38, 1-based): chr16:89,281,630, G>A on the plus strand (C>T on the coding strand, the complement: ANKRD11 is on the minus strand). VCF-style: chr16-89281630-G-A. GRCh37 (hg19) VCF-style: chr16-89348038-G-A.
Other names: c.4912C>T, p.Pro1638Ser (NM_001256182.2, NM_001256183.2); short protein forms P1638S.
Identifiers: ClinVar variation 2041535 (VCV002041535.29), dbSNP rs113527563, ClinGen allele CA8242018.